The following is an entry in ClinVar:

NM_001849.4(COL6A2):c.1771-13G>A

Gene: COL6A2 (collagen type VI alpha 2 chain; plus strand). Cytogenetic location: 21q22.3.
Variant type: single nucleotide variant.
Coding change: c.1771-13G>A on transcript NM_001849.4 (MANE Select); 13 bases into the intron before coding-DNA position 1771, G replaced by A.
Molecular consequence: intron variant.
Genome position (GRCh38, 1-based): chr21:46,125,253, G>A. VCF-style: chr21-46125253-G-A. GRCh37 (hg19) VCF-style: chr21-47545167-G-A.
Other names: c.1771-13G>A (NM_058175.3, NM_058174.3).
Identifiers: ClinVar variation 895003 (VCV000895003.11), dbSNP rs376708282, ClinGen allele CA10072208.
Genomic context (GRCh38, chr21:46,125,253, plus strand): 5'-CAGGCCAGGACCTTGCTGTGGAAACTCTTCTGGGGCCCCGGGGGGACTACCCTGCCTGCC[G>A]TGTGCATTGCAGGAGTGTGACGTCATGACCTACGTGAGGGAGACCTGCGGGTGCTGCGGT-3'

ClinVar aggregate classification (germline): Likely benign. Review status: criteria provided, multiple submitters, no conflicts (2 of 4 stars). 2 submissions from 2 submitters: Likely benign (2). Last evaluated 2025-07-22.

Conditions:
Collagen 6-related myopathy. Identifiers: MedGen CN117976, MONDO:0100225.
Bethlem myopathy 1A. Also called: MYOPATHY, BENIGN CONGENITAL, WITH CONTRACTURES; Bethlem myopathy 1; Bethlem Muscular Dystrophy. Identifiers: Orphanet 610, MedGen CN029274, MONDO:0024530, OMIM 158810.

Allele frequency attached by ClinVar (database versions not stated): gnomAD 0.00005 and 0.00007; gnomAD exomes 0.00006 and 0.00008; TOPMed 0.00006; ExAC 0.00008; ESP Exome Variant Server 0.00008; 1000 Genomes Project 30x 0.00016; 1000 Genomes Project 0.00020.
gnomAD v4.1: 104 of 1,611,240 alleles (0.0065%); highest among the groups gnomAD compares: Middle Eastern, 0.13%; 1 homozygote.

Submissions (2):

Labcorp Genetics (formerly Invitae), Labcorp
Classification: Likely benign for Bethlem myopathy 1A. Last evaluated: 2025-07-22. Review status: criteria provided, single submitter. Criteria: Invitae Variant Classification Sherloc (09022015). Collection method: clinical testing. Allele origin: germline.

Illumina Laboratory Services, Illumina
Classification: Likely benign for Collagen VI-related myopathy. Last evaluated: 2018-01-13. Review status: criteria provided, single submitter. Criteria: ICSL Variant Classification Criteria 13 December 2019. Collection method: clinical testing. Allele origin: germline.
Comment: This variant was observed in the ICSL laboratory as part of a predisposition screen in an ostensibly healthy population. It had not been previously curated by ICSL or reported in the Human Gene Mutation Database (HGMD: prior to June 1st, 2018), and was therefore a candidate for classification through an automated scoring system. Utilizing variant allele frequency, disease prevalence and penetrance estimates, and inheritance mode, an automated score was calculated to assess if this variant is too frequent to cause the disease. Based on the score and internal cut-off values, a variant classified as likely benign is not then subjected to further curation. The score for this variant resulted in a classification of likely benign for this disease.